The following continues an entry in ClinVar:

NM_007294.4(BRCA1):c.1016del (p.Lys339fs)

Gene: BRCA1. ClinVar aggregate classification (germline): Pathogenic. Pathogenic (1).

Submissions 12 to 18 of 18:

CZECANCA consortium
Classification: Pathogenic for Breast and/or ovarian cancer. Last evaluated: 2019-06-11. Review status: no assertion criteria provided. Collection method: clinical testing. Allele origin: germline. Affected: yes. Observed: 1 variant allele. Not counted in ClinVar's aggregate classification.

Research Molecular Genetics Laboratory, Women's College Hospital, University of Toronto
Classification: Pathogenic for Hereditary breast ovarian cancer syndrome. Last evaluated: 2014-01-31. Review status: no assertion criteria provided. Collection method: research. Allele origin: germline. Affected: yes. Study: The Canadian Open Genetics Repository (COGR). Not counted in ClinVar's aggregate classification.

Sharing Clinical Reports Project (SCRP)
Classification: Pathogenic for Breast-ovarian cancer, familial 1. Last evaluated: 2009-05-12. Review status: no assertion criteria provided. Collection method: clinical testing. Allele origin: germline. Not counted in ClinVar's aggregate classification.

Breast Cancer Information Core (BIC) (BRCA1)
No classification provided. Condition: Breast-ovarian cancer, familial 1. Review status: no classification provided. Collection method: clinical testing. Allele origin: germline, somatic. Affected: yes. Observed: 2 variant alleles. Not counted in ClinVar's aggregate classification.

Clinical Genetics Laboratory, Department of Pathology, Netherlands Cancer Institute
Classification: Pathogenic. Review status: no assertion criteria provided. Collection method: clinical testing. Allele origin: germline. Affected: yes. Study: VKGL Data-share Consensus. Not counted in ClinVar's aggregate classification.

Department of Pathology and Laboratory Medicine, Sinai Health System
Classification: Uncertain significance for Malignant tumor of breast. Review status: no assertion criteria provided. Collection method: clinical testing. Allele origin: unknown. Affected: yes. Study: The Canadian Open Genetics Repository (COGR). Not counted in ClinVar's aggregate classification.

Diagnostic Laboratory, Department of Genetics, University Medical Center Groningen
Classification: Pathogenic for Breast-ovarian cancer, familial, susceptibility to, 1. Review status: no assertion criteria provided. Collection method: clinical testing. Allele origin: germline. Affected: yes. Study: VKGL Data-share Consensus. Not counted in ClinVar's aggregate classification.

Literature cited by the submitters: PubMed 20104584 (cited by Labcorp Genetics (formerly Invitae), Labcorp); PubMed 7663517 (cited by Labcorp Genetics (formerly Invitae), Labcorp and Ambry Genetics); PubMed 15024741 (cited by Labcorp Genetics (formerly Invitae), Labcorp); PubMed 16287141 (cited by Labcorp Genetics (formerly Invitae), Labcorp and Quest Diagnostics Nichols Institute San Juan Capistrano); PubMed 16683254 (cited by Labcorp Genetics (formerly Invitae), Labcorp and Quest Diagnostics Nichols Institute San Juan Capistrano); PubMed 22970155 (cited by Labcorp Genetics (formerly Invitae), Labcorp); PubMed 27157322 (cited by Labcorp Genetics (formerly Invitae), Labcorp); PubMed 27836010 (cited by 3 submitters); PubMed 12566964 (cited by Ambry Genetics and Breast Cancer Information Core (BIC) (BRCA1)); PubMed 12937835 (cited by Ambry Genetics); PubMed 27062684 (cited by Ambry Genetics); PubMed 30322717 (cited by Ambry Genetics); PubMed 31209999 (cited by 3 submitters); PubMed 31336956 (cited by Ambry Genetics and Quest Diagnostics Nichols Institute San Juan Capistrano); PubMed 31742824 (cited by Ambry Genetics and Quest Diagnostics Nichols Institute San Juan Capistrano); PubMed 32467295 (cited by Quest Diagnostics Nichols Institute San Juan Capistrano); PubMed 29446198 (cited by Quest Diagnostics Nichols Institute San Juan Capistrano and Women's Health and Genetics/Laboratory Corporation of America, LabCorp); PubMed 23034506 (cited by Quest Diagnostics Nichols Institute San Juan Capistrano); PubMed 19370767 (cited by Quest Diagnostics Nichols Institute San Juan Capistrano); PubMed 16168118 (cited by Quest Diagnostics Nichols Institute San Juan Capistrano); PubMed 19353265 (cited by Quest Diagnostics Nichols Institute San Juan Capistrano); PubMed 32295079 (cited by CZECANCA consortium).